The following is an entry in ClinVar:

ClinVar aggregate classification (germline): Uncertain significance (1 of 4 stars; one submission).

Conditions:
Cardiovascular phenotype. Identifiers: MedGen CN230736.

Submission:

Ambry Genetics
Classification: Uncertain significance for Cardiovascular phenotype. Last evaluated: 2026-07-19. Review status: criteria provided, single submitter. Criteria: Ambry Variant Classification Scheme 2023. Collection method: clinical testing. Allele origin: germline.
Comment: The p.M374I variant (also known as c.1122G>A), located in coding exon 8 of the CBL gene, results from a G to A substitution at nucleotide position 1122. The methionine at codon 374 is replaced by isoleucine, an amino acid with highly similar properties. This amino acid position is conserved. In addition, this alteration is predicted to be deleterious by in silico analysis. Based on the available evidence, the clinical significance of this variant remains unclear.

NM_005188.4(CBL):c.1122G>A (p.Met374Ile)

Gene: CBL (Cbl proto-oncogene; plus strand). Cytogenetic location: 11q23.3.
Variant type: single nucleotide variant.
Coding change: c.1122G>A on transcript NM_005188.4 (MANE Select); coding-DNA position 1122, G replaced by A.
Protein change: p.Met374Ile; replaces methionine 374 with isoleucine.
Molecular consequence: missense variant.
Genome position (GRCh38, 1-based): chr11:119,278,192, G>A. VCF-style: chr11-119278192-G-A. GRCh37 (hg19) VCF-style: chr11-119148902-G-A.
Other names: short protein forms M374I.
Identifiers: ClinVar variation 5033750 (VCV005033750.1).